The following is an entry in ClinVar:

NM_002691.4(POLD1):c.2744C>T (p.Ala915Val)

Gene: POLD1 (DNA polymerase delta 1, catalytic subunit; plus strand). Cytogenetic location: 19q13.33.
Variant type: single nucleotide variant.
Coding change: c.2744C>T on transcript NM_002691.4 (MANE Select); coding-DNA position 2744, C replaced by T.
Protein change: p.Ala915Val; replaces alanine 915 with valine.
Molecular consequence: missense variant.
Genome position (GRCh38, 1-based): chr19:50,415,750, C>T. VCF-style: chr19-50415750-C-T. GRCh37 (hg19) VCF-style: chr19-50919007-C-T.
Other names: c.2744C>T, p.Ala915Val (LRG_785t1, NM_001256849.1); c.2822C>T, p.Ala941Val (LRG_785t2, NM_001308632.1); c.2744C>T (NM_002691.2); short protein forms A941V, A915V.
Identifiers: ClinVar variation 469293 (VCV000469293.13), dbSNP rs1483458869, ClinGen allele CA406985887.
Genomic context (GRCh38, chr19:50,415,750, plus strand): 5'-GCCCTCACCCACCCGCCACCCCATCTCCACGCAGGATGAGGAAGCGGGACCCCGGGAGTG[C>T]GCCCAGCCTGGGCGACCGCGTCCCCTACGTGATCATCAGTGCCGCCAAGGGTGTGGCCGC-3'
Protein context (NP_002682.2, residues 905-925): ERMRKRDPGS[Ala915Val]PSLGDRVPYV

ClinVar aggregate classification (germline): Uncertain significance. Review status: criteria provided, multiple submitters, no conflicts (2 of 4 stars). 3 submissions from 3 submitters: Uncertain significance (3). Last evaluated 2025-11-17.

Conditions:
Hereditary cancer-predisposing syndrome. Also called: Neoplastic Syndromes, Hereditary; Hereditary neoplastic syndrome; Tumor predisposition; Hereditary Cancer Syndrome. Identifiers: Orphanet 140162, MedGen C0027672, MeSH D009386, MONDO:0015356.
POLD1-related polyposis and colorectal cancer syndrome (CRCS10). Also called: Colorectal cancer 10; COLORECTAL CANCER, SUSCEPTIBILITY TO, ON CHROMOSOME 19q; Colorectal cancer, susceptibility to, 10. Identifiers: Orphanet 220460, MedGen C2675481, MONDO:0012953, OMIM 612591.

Allele frequency attached by ClinVar (database versions not stated): gnomAD exomes below 0.00001; TOPMed below 0.00001.
gnomAD v4.1: 7 of 1,484,332 alleles (0.00047%); highest among the groups gnomAD compares: African/African-American, 0.0014%; no homozygotes.

Submissions (3):

Labcorp Genetics (formerly Invitae), Labcorp
Classification: Uncertain significance for POLD1-related polyposis and colorectal cancer syndrome. Last evaluated: 2025-11-17. Review status: criteria provided, single submitter. Criteria: Invitae Variant Classification Sherloc (09022015). Collection method: clinical testing. Allele origin: germline.
Comment: This sequence change replaces alanine, which is neutral and non-polar, with valine, which is neutral and non-polar, at codon 915 of the POLD1 protein (p.Ala915Val). The frequency data for this variant in the population databases is considered unreliable, as metrics indicate poor data quality at this position in the gnomAD database. This variant has not been reported in the literature in individuals affected with POLD1-related conditions. ClinVar contains an entry for this variant (Variation ID: 469293). Invitae Evidence Modeling of protein sequence and biophysical properties (such as structural, functional, and spatial information, amino acid conservation, physicochemical variation, residue mobility, and thermodynamic stability) indicates that this missense variant is expected to disrupt POLD1 protein function with a positive predictive value of 80%. In summary, the available evidence is currently insufficient to determine the role of this variant in disease. Therefore, it has been classified as a Variant of Uncertain Significance.

Ambry Genetics
Classification: Uncertain significance for Hereditary cancer-predisposing syndrome. Last evaluated: 2025-04-10. Review status: criteria provided, single submitter. Criteria: Ambry Variant Classification Scheme 2023. Collection method: clinical testing. Allele origin: germline.
Comment: The p.A915V variant (also known as c.2744C>T), located in coding exon 21 of the POLD1 gene, results from a C to T substitution at nucleotide position 2744. The alanine at codon 915 is replaced by valine, an amino acid with similar properties. This amino acid position is highly conserved in available vertebrate species. In addition, this alteration is predicted to be tolerated by in silico analysis. Based on the available evidence, the clinical significance of this variant remains unclear.

GeneDx
Classification: Uncertain significance. Last evaluated: 2022-05-04. Review status: criteria provided, single submitter. Criteria: GeneDx Variant Classification Process June 2021. Collection method: clinical testing. Allele origin: germline. Affected: yes.
Comment: Not observed at significant frequency in large population cohorts (gnomAD); In silico analysis supports that this missense variant has a deleterious effect on protein structure/function; Has not been previously published as pathogenic or benign to our knowledge